The following is an entry in ClinVar:

ClinVar aggregate classification (germline): Uncertain significance. Review status: criteria provided, multiple submitters, no conflicts (2 of 4 stars). 2 submissions from 2 submitters: Uncertain significance (2). Last evaluated 2025-12-05.

Submissions (2):

Labcorp Genetics (formerly Invitae), Labcorp
Classification: Uncertain significance. Last evaluated: 2025-12-05. Review status: criteria provided, single submitter. Criteria: Invitae Variant Classification Sherloc (09022015). Collection method: clinical testing. Allele origin: germline.
Comment: This variant, c.1360_1362del, results in the deletion of 1 amino acid(s) of the SLC4A1 protein (p.Leu454del), but otherwise preserves the integrity of the reading frame. This variant is not present in population databases (gnomAD no frequency). This variant has not been reported in the literature in individuals affected with SLC4A1-related conditions. Experimental studies and prediction algorithms are not available or were not evaluated, and the functional significance of this variant is currently unknown. In summary, the available evidence is currently insufficient to determine the role of this variant in disease. Therefore, it has been classified as a Variant of Uncertain Significance.

Revvity Omics, Revvity
Classification: Uncertain significance. Last evaluated: 2021-11-26. Review status: criteria provided, single submitter. Criteria: ACMG Guidelines, 2015. Collection method: clinical testing. Allele origin: germline.

NM_000342.4(SLC4A1):c.1357CTG[1] (p.Leu454del)

Gene: SLC4A1 (solute carrier family 4 member 1 (Diego blood group); minus strand). Cytogenetic location: 17q21.31.
Variant type: Microsatellite.
Coding change: c.1357CTG[1] on transcript NM_000342.4 (MANE Select); one copy of the 3-base unit CTG starting at c.1357; the reference has two copies in a row; one copy, 3 bases deleted; also written c.1360_1362del.
Protein change: p.Leu454del; deletes leucine 454.
Molecular consequence: inframe deletion.
Genome position (GRCh38, 1-based): chr17:44,257,728-44,257,730, CAG deleted on the plus strand (CTG on the coding strand, the reverse complement: SLC4A1 is on the minus strand); deleting any 3 consecutive bases within chr17:44,257,728-44,257,733 gives the same sequence; the position shown is the placement nearest the transcript's 3' end. VCF-style (leftmost placement, unchanged base first): chr17-44257727-CCAG-C. GRCh37 (hg19) VCF-style: chr17-42335095-CCAG-C.
Other names: c.1360_1362del (NM_000342.4); short protein forms L454del.
Identifiers: ClinVar variation 2436034 (VCV002436034.4), dbSNP rs2509966087, ClinGen allele CA2580613149.
Genomic context (GRCh38, chr17:44,257,727, plus strand): 5'-AGGCTTCCTCAAACACCAGCAGGGGTCCTGAGAAGCCGACCACAAGCAGGGGCTGAGCCC[CCAG>C]CAGGGCGAAGAGAATGCCCTGCACTGCAGTGGAGATCAGCAGCTCCGACACTCCCATCTG-3'